The following is an entry in ClinVar:

NM_000553.6(WRN):c.628A>C (p.Lys210Gln)

Gene: WRN (WRN RecQ like helicase; plus strand). Cytogenetic location: 8p12.
Variant type: single nucleotide variant.
Coding change: c.628A>C on transcript NM_000553.6 (MANE Select); coding-DNA position 628, A replaced by C.
Protein change: p.Lys210Gln; replaces lysine 210 with glutamine.
Molecular consequence: missense variant.
Genome position (GRCh38, 1-based): chr8:31,067,156, A>C. VCF-style: chr8-31067156-A-C. GRCh37 (hg19) VCF-style: chr8-30924672-A-C.
Other names: short protein forms K210Q.
Identifiers: ClinVar variation 458493 (VCV000458493.3), dbSNP rs138037385, ClinGen allele CA174844825.
Genomic context (GRCh38, chr8:31,067,156, plus strand): 5'-CTGAAAGACAAGTCTATCCGCTGTAGCAATTGGAGTAAATTTCCTCTCACTGAGGACCAG[A>C]AACTGTATGCAGCCACTGATGCTTATGTACGTGCTTAAAGATCTTTAGAAATTGTGATGT-3'
Protein context (NP_000544.2, residues 200-220): WSKFPLTEDQ[Lys210Gln]LYAATDAYAG

ClinVar aggregate classification (germline): Uncertain significance (1 of 4 stars; one submission).

Conditions:
Werner syndrome (WRN). Identifiers: Orphanet 902, MedGen C0043119, MONDO:0010196, OMIM 277700.

Allele frequency attached by ClinVar (database versions not stated): gnomAD exomes below 0.00001; ESP Exome Variant Server 0.00008.
gnomAD v4.1: 1 of 1,613,882 alleles (0.000062%); highest among the groups gnomAD compares: Non-Finnish European, 0.000085%; no homozygotes.

Submission:

Labcorp Genetics (formerly Invitae), Labcorp
Classification: Uncertain significance for Werner syndrome. Last evaluated: 2023-10-03. Review status: criteria provided, single submitter. Criteria: Invitae Variant Classification Sherloc (09022015). Collection method: clinical testing. Allele origin: germline.
Comment: This sequence change replaces lysine, which is basic and polar, with glutamine, which is neutral and polar, at codon 210 of the WRN protein (p.Lys210Gln). This variant is not present in population databases (gnomAD no frequency). This variant has not been reported in the literature in individuals affected with WRN-related conditions. ClinVar contains an entry for this variant (Variation ID: 458493). Algorithms developed to predict the effect of missense changes on protein structure and function output the following: SIFT: "Not Available"; PolyPhen-2: "Benign"; Align-GVGD: "Not Available". The glutamine amino acid residue is found in multiple mammalian species, which suggests that this missense change does not adversely affect protein function. In summary, the available evidence is currently insufficient to determine the role of this variant in disease. Therefore, it has been classified as a Variant of Uncertain Significance.